The following is an entry in ClinVar:

NM_152672.6(SLC51A):c.642G>A (p.Glu214=)

Gene: SLC51A (solute carrier family 51 member A; plus strand). Cytogenetic location: 3q29.
Variant type: single nucleotide variant.
Coding change: c.642G>A on transcript NM_152672.6 (MANE Select); coding-DNA position 642, G replaced by A.
Protein change: p.Glu214=; no amino-acid change (glutamic acid 214 retained).
Molecular consequence: synonymous variant.
Genome position (GRCh38, 1-based): chr3:196,229,923, G>A. VCF-style: chr3-196229923-G-A. GRCh37 (hg19) VCF-style: chr3-195956794-G-A.
Identifiers: ClinVar variation 4979380 (VCV004979380.1).
Genomic context (GRCh38, chr3:196,229,923, plus strand): 5'-GAGAGAGAGAGAGAGCTTGCCTGCCTCACTGACTACTTTCTGTTGCCACCAGATTTCTGA[G>A]GGGAGCACAGCTCTATGGATCAACACTTTCCTTGGCGTGTCCACACTGCTGGCTCTCTGG-3'
Protein context (NP_689885.4, residues 204-224): DGIYDPADIS[Glu214=]GSTALWINTF

ClinVar aggregate classification (germline): Likely benign (1 of 4 stars; one submission).

Conditions:
SLC51A-related disorder. Also called: SLC51A-related condition.

gnomAD v4.1: 15 of 1,603,748 alleles (0.00094%); highest among the groups gnomAD compares: Non-Finnish European, 0.0013%; no homozygotes.

Submission:

PreventionGenetics, part of Exact Sciences
Classification: Likely benign for SLC51A-related condition. Last evaluated: 2026-07-31. Review status: criteria provided, single submitter. Criteria: ACMG Guidelines, 2015. Collection method: clinical testing. Allele origin: germline.
Comment: This variant is classified as likely benign based on ACMG/AMP sequence variant interpretation guidelines (Richards et al. 2015 PMID: 25741868, with internal and published modifications).